The following is an entry in ClinVar:

NM_001244008.2(KIF1A):c.3213A>C (p.Pro1071=)

Gene: KIF1A (kinesin family member 1A; minus strand). Cytogenetic location: 2q37.3.
Variant type: single nucleotide variant.
Coding change: c.3213A>C on transcript NM_001244008.2 (MANE Select); coding-DNA position 3213, A replaced by C.
Protein change: p.Pro1071=; no amino-acid change (proline 1071 retained).
Molecular consequence: synonymous variant.
Genome position (GRCh38, 1-based): chr2:240,745,899, T>G on the plus strand (A>C on the coding strand, the complement: KIF1A is on the minus strand). VCF-style: chr2-240745899-T-G. GRCh37 (hg19) VCF-style: chr2-241685316-T-G.
Other names: c.3213A>C (NM_001244008.1); c.2937A>C, p.Pro979= (NM_001320705.2, NM_001330289.2, NM_001379638.1); c.3012A>C, p.Pro1004= (NM_001330290.2, NM_001379634.1, NM_001379635.1 and 1 more transcripts); c.3288A>C, p.Pro1096= (NM_001379631.1); c.3162A>C, p.Pro1054= (NM_001379632.1); c.3186A>C, p.Pro1062= (NM_001379633.1, NM_001379642.1, NM_001379645.1); c.2910A>C, p.Pro970= (NM_001379636.1, NM_001379639.1, NM_001379641.1 and 5 more transcripts); c.2985A>C, p.Pro995= (NM_001379637.1, NM_001379648.1); and 1 more.
Identifiers: ClinVar variation 532877 (VCV000532877.12), dbSNP rs201232478, ClinGen allele CA2207865.

ClinVar aggregate classification (germline): Benign/Likely benign. Review status: criteria provided, multiple submitters, no conflicts (2 of 4 stars). 2 submissions from 2 submitters: Benign (1); Likely benign (1). Last evaluated 2025-12-13.

Conditions:
KIF1A-related disorder. Also called: KIF1A-related disorders; KIF1A-related condition.
Hereditary spastic paraplegia 30. Identifiers: Orphanet 101010, MedGen C5235139, MONDO:0012476.
Neuropathy, hereditary sensory, type 2C. Also called: KIF1A-Related HSAN2 (HSAN2C); Hereditary sensory and autonomic neuropathy type IIC. Identifiers: Orphanet 970, MedGen C3280168, MONDO:0013634, OMIM 614213.
Intellectual disability, autosomal dominant 9 (NESCAVS). Also called: NESCAV SYNDROME; KIF1A-Related Neurodevelopmental Disorder. Identifiers: Orphanet 662367, MedGen C5393830, MONDO:0013656, OMIM 614255.

Allele frequency attached by ClinVar (database versions not stated): gnomAD 0.00006 and 0.00009; gnomAD exomes 0.00029; TOPMed 0.00031; ExAC 0.00034; 1000 Genomes Project 0.00040; 1000 Genomes Project 30x 0.00062.
gnomAD v4.1: 171 of 1,603,336 alleles (0.011%); highest among the groups gnomAD compares: East Asian, 0.36%; no homozygotes.

Submissions (2):

Labcorp Genetics (formerly Invitae), Labcorp
Classification: Benign for Hereditary spastic paraplegia 30; Neuropathy, hereditary sensory, type 2C; Intellectual disability, autosomal dominant 9. Last evaluated: 2025-12-13. Review status: criteria provided, single submitter. Criteria: Invitae Variant Classification Sherloc (09022015). Collection method: clinical testing. Allele origin: germline.

PreventionGenetics, part of Exact Sciences
Classification: Likely benign for KIF1A-related condition. Last evaluated: 2025-08-08. Review status: criteria provided, single submitter. Criteria: ACMG Guidelines, 2015. Collection method: clinical testing. Allele origin: germline.
Comment: This variant is classified as likely benign based on ACMG/AMP sequence variant interpretation guidelines (Richards et al. 2015 PMID: 25741868, with internal and published modifications).